The following is an entry in ClinVar:

ClinVar aggregate classification (germline): Uncertain significance. Review status: criteria provided, multiple submitters, no conflicts (2 of 4 stars). 2 submissions from 2 submitters: Uncertain significance (2). Last evaluated 2024-07-02.

Conditions:
Inborn genetic diseases. Identifiers: MedGen C0950123, MeSH D030342.

Allele frequency attached by ClinVar (database versions not stated): gnomAD exomes below 0.00001; TOPMed below 0.00001; gnomAD 0.00001.
gnomAD v4.1: 6 of 1,612,974 alleles (0.00037%); highest among the groups gnomAD compares: East Asian, 0.0045%; no homozygotes.

Submissions (2):

Ambry Genetics
Classification: Uncertain significance for Inborn genetic diseases. Last evaluated: 2024-07-02. Review status: criteria provided, single submitter. Criteria: Ambry Variant Classification Scheme 2023. Collection method: clinical testing. Allele origin: germline.

Labcorp Genetics (formerly Invitae), Labcorp
Classification: Uncertain significance. Last evaluated: 2022-07-24. Review status: criteria provided, single submitter. Criteria: Invitae Variant Classification Sherloc (09022015). Collection method: clinical testing. Allele origin: germline.
Comment: This sequence change replaces asparagine, which is neutral and polar, with lysine, which is basic and polar, at codon 747 of the TRIM37 protein (p.Asn747Lys). This variant is not present in population databases (gnomAD no frequency). This variant has not been reported in the literature in individuals affected with TRIM37-related conditions. Algorithms developed to predict the effect of missense changes on protein structure and function are either unavailable or do not agree on the potential impact of this missense change (SIFT: "Not Available"; PolyPhen-2: "Benign"; Align-GVGD: "Not Available"). In summary, the available evidence is currently insufficient to determine the role of this variant in disease. Therefore, it has been classified as a Variant of Uncertain Significance.

NM_015294.6(TRIM37):c.2241T>G (p.Asn747Lys)

Gene: TRIM37 (tripartite motif containing 37; minus strand). Cytogenetic location: 17q22.
Variant type: single nucleotide variant.
Coding change: c.2241T>G on transcript NM_015294.6 (MANE Select); coding-DNA position 2241, T replaced by G.
Protein change: p.Asn747Lys; replaces asparagine 747 with lysine.
Molecular consequence: missense variant. On other transcripts: non-coding transcript variant (2).
Genome position (GRCh38, 1-based): chr17:59,028,431, A>C on the plus strand (T>G on the coding strand, the complement: TRIM37 is on the minus strand). VCF-style: chr17-59028431-A-C. GRCh37 (hg19) VCF-style: chr17-57105792-A-C.
Other names: c.2241T>G, p.Asn747Lys (NM_001005207.5, NM_001320988.3, NM_001320989.3 and 1 more transcripts); c.2139T>G, p.Asn713Lys (NM_001320987.3, NM_001353082.2); c.1875T>G, p.Asn625Lys (NM_001320990.3); c.1506T>G, p.Asn502Lys (NM_001353083.2); c.1779T>G, p.Asn593Lys (NM_001353085.2); c.2190T>G, p.Asn730Lys (NM_001353086.2); c.2241T>G (NM_015294.3); short protein forms N593K, N713K, N747K, N730K, N502K, N625K.
Identifiers: ClinVar variation 1910368 (VCV001910368.3), dbSNP rs1169513211, ClinGen allele CA400394032.